The following is an entry in ClinVar:

NM_003243.5(TGFBR3):c.1128C>T (p.Ile376=)

Gene: TGFBR3 (transforming growth factor beta receptor 3; minus strand). Cytogenetic location: 1p22.1.
Variant type: single nucleotide variant.
Coding change: c.1128C>T on transcript NM_003243.5 (MANE Select); coding-DNA position 1128, C replaced by T.
Protein change: p.Ile376=; no amino-acid change (isoleucine 376 retained).
Molecular consequence: synonymous variant. On other transcripts: non-coding transcript variant (1).
Genome position (GRCh38, 1-based): chr1:91,720,178, G>A on the plus strand (C>T on the coding strand, the complement: TGFBR3 is on the minus strand). VCF-style: chr1-91720178-G-A. GRCh37 (hg19) VCF-style: chr1-92185735-G-A.
Other names: c.1125C>T, p.Ile375= (NM_001195683.2, NM_001195684.1).
Identifiers: ClinVar variation 773411 (VCV000773411.9), dbSNP rs11466595, ClinGen allele CA947872.
Genomic context (GRCh38, chr1:91,720,178, plus strand): 5'-GCCTTCCCCTCCCCGGATGGGCGGGTTCTGCAGGGCAGGCAGGGCACCAGGGTCCAGCAG[G>A]ATCCGTAGCTCAGGAGGAATAGTGTGGACTTCCTCATCTCCCATCTCCTCTGCTGGTGAA-3'
Protein context (NP_003234.2, residues 366-386): EVHTIPPELR[Ile376=]LLDPGALPAL

ClinVar aggregate classification (germline): Benign. Review status: criteria provided, multiple submitters, no conflicts (2 of 4 stars). 4 submissions from 4 submitters: Benign (3). 1 of the submissions does not count toward it. Last evaluated 2026-06-01.

Conditions:
TGFBR3-related disorder. Also called: TGFBR3-related condition.

Allele frequency attached by ClinVar (database versions not stated): 1000 Genomes Project 30x 0.00437; 1000 Genomes Project 0.00439; ESP Exome Variant Server 0.00677; TOPMed 0.00691; gnomAD exomes 0.00746 and 0.01069; gnomAD 0.00751 and 0.00764; ExAC 0.00985.
gnomAD v4.1: 16,644 of 1,612,964 alleles (1%); highest among the groups gnomAD compares: Non-Finnish European, 1.2%; 109 homozygotes.

Submissions (4):

CeGaT Center for Human Genetics Tuebingen
Classification: Benign. Last evaluated: 2026-06-01. Review status: criteria provided, single submitter. Criteria: CeGaT Center For Human Genetics Tuebingen Variant Classification Criteria Version 2. Collection method: clinical testing. Allele origin: germline. Affected: yes. Observed: 1 variant allele.
Comment: TGFBR3: BP4, BP7, BS1, BS2

Labcorp Genetics (formerly Invitae), Labcorp
Classification: Benign. Last evaluated: 2019-12-31. Review status: criteria provided, single submitter. Criteria: Invitae Variant Classification Sherloc (09022015). Collection method: clinical testing. Allele origin: germline.

Breakthrough Genomics
Classification: Benign. Review status: criteria provided, single submitter. Criteria: ACMG Guidelines, 2015. Collection method: not provided. Allele origin: germline. Inheritance: Unknown mechanism. Affected: yes.

PreventionGenetics, part of Exact Sciences
Classification: Likely benign for TGFBR3-related condition. Last evaluated: 2019-02-25. Review status: no assertion criteria provided. Collection method: clinical testing. Allele origin: germline. Not counted in ClinVar's aggregate classification.
Comment: This variant is classified as likely benign based on ACMG/AMP sequence variant interpretation guidelines (Richards et al. 2015 PMID: 25741868, with internal and published modifications).